The following is an entry in ClinVar:

ClinVar aggregate classification (germline): Uncertain significance. Review status: criteria provided, multiple submitters, no conflicts (2 of 4 stars). 3 submissions from 3 submitters: Uncertain significance (3). Last evaluated 2024-09-09.

Conditions:
Charcot-Marie-Tooth disease recessive intermediate C. Also called: CHARCOT-MARIE-TOOTH NEUROPATHY, RECESSIVE INTERMEDIATE C. Identifiers: Orphanet 369867, MedGen C3809309, MONDO:0014154, OMIM 615376.
Neuronopathy, distal hereditary motor, autosomal recessive 4. Also called: Autosomal recessive lower motor neuron disease with childhood onset; NEUROPATHY, DISTAL HEREDITARY MOTOR, AUTOSOMAL RECESSIVE 4. Identifiers: Orphanet 206580, MedGen C1970211, MONDO:0012608, OMIM 611067.
Inborn genetic diseases. Identifiers: MedGen C0950123, MeSH D030342.

Allele frequency attached by ClinVar (database versions not stated): gnomAD 0.00001 and 0.00002; gnomAD exomes 0.00001 and 0.00004; TOPMed 0.00003; ExAC 0.00004.
gnomAD v4.1: 22 of 1,612,742 alleles (0.0014%); highest among the groups gnomAD compares: South Asian, 0.0022%; no homozygotes.

Submissions (3):

Ambry Genetics
Classification: Uncertain significance for Inborn genetic diseases. Last evaluated: 2024-09-09. Review status: criteria provided, single submitter. Criteria: Ambry Variant Classification Scheme 2023. Collection method: clinical testing. Allele origin: germline.

Labcorp Genetics (formerly Invitae), Labcorp
Classification: Uncertain significance for Neuronopathy, distal hereditary motor, autosomal recessive 4; Charcot-Marie-Tooth disease recessive intermediate C. Last evaluated: 2021-11-04. Review status: criteria provided, single submitter. Criteria: Invitae Variant Classification Sherloc (09022015). Collection method: clinical testing. Allele origin: germline.
Comment: This sequence change replaces arginine, which is basic and polar, with glutamine, which is neutral and polar, at codon 990 of the PLEKHG5 protein (p.Arg990Gln). This variant is present in population databases (rs762876171, gnomAD 0.006%). This variant has not been reported in the literature in individuals affected with PLEKHG5-related conditions. ClinVar contains an entry for this variant (Variation ID: 843475). Algorithms developed to predict the effect of missense changes on protein structure and function are either unavailable or do not agree on the potential impact of this missense change (SIFT: "Deleterious"; PolyPhen-2: "Possibly Damaging"; Align-GVGD: "Class C0"). In summary, the available evidence is currently insufficient to determine the role of this variant in disease. Therefore, it has been classified as a Variant of Uncertain Significance.

GeneDx
Classification: Uncertain significance. Last evaluated: 2021-01-12. Review status: criteria provided, single submitter. Criteria: GeneDx Variant Classification Process June 2021. Collection method: clinical testing. Allele origin: germline. Affected: yes.
Comment: Not observed at a significant frequency in large population cohorts (Lek et al., 2016); In silico analysis supports that this missense variant does not alter protein structure/function; Has not been previously published as pathogenic or benign to our knowledge

NM_020631.6(PLEKHG5):c.2969G>A (p.Arg990Gln)

Gene: PLEKHG5 (pleckstrin homology and RhoGEF domain containing G5; minus strand). Cytogenetic location: 1p36.31.
Variant type: single nucleotide variant.
Coding change: c.2969G>A on transcript NM_020631.6 (MANE Select); coding-DNA position 2969, G replaced by A.
Protein change: p.Arg990Gln; replaces arginine 990 with glutamine.
Molecular consequence: missense variant. On other transcripts: synonymous variant (1).
Genome position (GRCh38, 1-based): chr1:6,467,867, C>T on the plus strand (G>A on the coding strand, the complement: PLEKHG5 is on the minus strand). VCF-style: chr1-6467867-C-T. GRCh37 (hg19) VCF-style: chr1-6527927-C-T.
Other names: c.3080G>A, p.Arg1027Gln (NM_001042663.3, NM_001265592.2); c.2969G>A, p.Arg990Gln (NM_001042664.2, NM_001042665.2, NM_198681.4); c.3176G>A, p.Arg1059Gln (NM_001265593.2); c.2769G>A, p.Pro923= (NM_001265594.3); short protein forms R1059Q, R990Q, R1027Q.
Identifiers: ClinVar variation 843475 (VCV000843475.9), dbSNP rs762876171, ClinGen allele CA561056.
Genomic context (GRCh38, chr1:6,467,867, plus strand): 5'-CCAGTCCAGGCCACTCACGAGGCAGTGAGCGTGGAGTTAAGCAGCAGGGTGGTCCTGATT[C>T]GGTAGAGCTGGGCCAGGGTCAGCTTCCTGTGCTGGGCAGAGACCCCTGGTGGGGGCTCAG-3'
Protein context (NP_065682.2, residues 980-1000): HRKLTLAQLY[Arg990Gln]IRTTLLLNST